The following is an entry in ClinVar:

NM_007347.5(AP4E1):c.1287G>C (p.Leu429Phe)

Gene: AP4E1 (adaptor related protein complex 4 subunit epsilon 1; plus strand). Cytogenetic location: 15q21.2.
Variant type: single nucleotide variant.
Coding change: c.1287G>C on transcript NM_007347.5 (MANE Select); coding-DNA position 1287, G replaced by C.
Protein change: p.Leu429Phe; replaces leucine 429 with phenylalanine.
Molecular consequence: missense variant.
Genome position (GRCh38, 1-based): chr15:50,948,130, G>C. VCF-style: chr15-50948130-G-C. GRCh37 (hg19) VCF-style: chr15-51240327-G-C.
Other names: c.1062G>C, p.Leu354Phe (NM_001252127.2); short protein forms L429F, L354F.
Identifiers: ClinVar variation 1408712 (VCV001408712.8), dbSNP rs2140858085, ClinGen allele CA392417328.

ClinVar aggregate classification (germline): Uncertain significance (1 of 4 stars; one submission).

Conditions:
Spastic paraplegia. Identifiers: MedGen C0037772, HP:0001258.

Submission:

Labcorp Genetics (formerly Invitae), Labcorp
Classification: Uncertain significance for Spastic paraplegia. Last evaluated: 2022-07-26. Review status: criteria provided, single submitter. Criteria: Invitae Variant Classification Sherloc (09022015). Collection method: clinical testing. Allele origin: germline.
Comment: Algorithms developed to predict the effect of missense changes on protein structure and function are either unavailable or do not agree on the potential impact of this missense change (SIFT: "Deleterious"; PolyPhen-2: "Probably Damaging"; Align-GVGD: "Class C0"). In summary, the available evidence is currently insufficient to determine the role of this variant in disease. Therefore, it has been classified as a Variant of Uncertain Significance. ClinVar contains an entry for this variant (Variation ID: 1408712). This variant has not been reported in the literature in individuals affected with AP4E1-related conditions. This variant is not present in population databases (gnomAD no frequency). This sequence change replaces leucine, which is neutral and non-polar, with phenylalanine, which is neutral and non-polar, at codon 429 of the AP4E1 protein (p.Leu429Phe).